The following is an entry in ClinVar:

ClinVar aggregate classification (germline): Likely benign (0 of 4 stars; one submission).

Conditions:
WNK1-related disorder. Also called: WNK1-related condition.

Allele frequency attached by ClinVar (database versions not stated): gnomAD exomes 0.00001.
gnomAD v4.1: 10 of 1,600,362 alleles (0.00062%); highest among the groups gnomAD compares: Non-Finnish European, 0.00077%; no homozygotes.

Submission:

PreventionGenetics, part of Exact Sciences
Classification: Likely benign for WNK1-related condition. Last evaluated: 2019-03-01. Review status: no assertion criteria provided. Collection method: clinical testing. Allele origin: germline.
Comment: This variant is classified as likely benign based on ACMG/AMP sequence variant interpretation guidelines (Richards et al. 2015 PMID: 25741868, with internal and published modifications).

NM_018979.4(WNK1):c.489C>T (p.Asp163=)

Gene: WNK1 (WNK lysine deficient protein kinase 1; plus strand). Cytogenetic location: 12p13.33.
Variant type: single nucleotide variant.
Coding change: c.489C>T on transcript NM_018979.4 (MANE Select); coding-DNA position 489, C replaced by T.
Protein change: p.Asp163=; no amino-acid change (aspartic acid 163 retained).
Molecular consequence: synonymous variant.
Genome position (GRCh38, 1-based): chr12:754,054, C>T. VCF-style: chr12-754054-C-T. GRCh37 (hg19) VCF-style: chr12-863220-C-T.
Other names: c.489C>T, p.Asp163= (NM_001184985.2, NM_014823.3, NM_213655.5).
Identifiers: ClinVar variation 3053741 (VCV003053741.2), dbSNP rs1165709794, ClinGen allele CA478082730.